The following is an entry in ClinVar:

NM_000059.4(BRCA2):c.1742C>T (p.Ser581Phe)

Gene: BRCA2 (BRCA2 DNA repair associated; plus strand). Cytogenetic location: 13q13.1.
Variant type: single nucleotide variant.
Coding change: c.1742C>T on transcript NM_000059.4 (MANE Select); coding-DNA position 1742, C replaced by T.
Protein change: p.Ser581Phe; replaces serine 581 with phenylalanine.
Molecular consequence: missense variant.
Genome position (GRCh38, 1-based): chr13:32,333,220, C>T. VCF-style: chr13-32333220-C-T. GRCh37 (hg19) VCF-style: chr13-32907357-C-T.
Other names: short protein forms S581F.
Identifiers: ClinVar variation 133726 (VCV000133726.23), dbSNP rs587778118, ClinGen allele CA013031.

ClinVar aggregate classification (germline): Conflicting classifications of pathogenicity. Review status: criteria provided, conflicting classifications (1 of 4 stars). 8 submissions from 8 submitters: Uncertain significance (6); Likely benign (1). 1 of the submissions does not count toward it. Last evaluated 2025-12-18.

Conditions:
Familial cancer of breast. Also called: BREAST CANCER, FAMILIAL; hereditary breast carcinoma; Hereditary breast cancer. Identifiers: Orphanet 227535, MedGen C0346153, MONDO:0016419, OMIM 114480. Disease mechanism: loss of function.
Fanconi anemia complementation group D1. Also called: BRCA2-Related Fanconi Anemia. Identifiers: Orphanet 319462, MedGen C1838457, MONDO:0011584, OMIM 605724.
Medulloblastoma (MDB). Also called: Medulloblastoma, somatic; MEDULLOBLASTOMA PREDISPOSITION SYNDROME. Identifiers: Orphanet 616, MedGen C0025149, MeSH D008527, MONDO:0007959, OMIM 155255, HP:0002885.
Breast-ovarian cancer, familial, susceptibility to, 2 (BROVCA2). Also called: BRCA2 Hereditary Breast and Ovarian Cancer. Identifiers: Orphanet 145, MedGen C2675520, MONDO:0012933, OMIM 612555. Disease mechanism: loss of function.
Wilms tumor 1 (WT1). Also called: Wilms tumor, somatic. Identifiers: Orphanet 654, MedGen CN033288, MONDO:0008679, OMIM 194070.
Glioma susceptibility 3 (GLM3). Also called: Glioblastoma 3. Identifiers: Orphanet 182067, Orphanet 360, MedGen C2751641, MONDO:0013093, OMIM 613029.
Pancreatic cancer, susceptibility to, 2. Identifiers: Orphanet 1333, MedGen C3150546, MONDO:0013235, OMIM 613347.
Familial prostate cancer. Also called: Hereditary Prostate Cancer. Identifiers: MedGen C2931456, MONDO:0700275, OMIM 176807.
BRCA2-related cancer predisposition. Identifiers: MedGen CN377758, MONDO:0700269.
Hereditary cancer-predisposing syndrome. Also called: Neoplastic Syndromes, Hereditary; Hereditary neoplastic syndrome; Hereditary Cancer Syndrome; Tumor predisposition. Identifiers: Orphanet 140162, MedGen C0027672, MeSH D009386, MONDO:0015356.
Hereditary breast ovarian cancer syndrome. Also called: Breast and ovarian cancer; Hereditary breast and/or ovarian cancer syndrome; Hereditary breast and ovarian cancer syndrome; Hereditary breast and ovarian cancer syndrome (HBOC); Hereditary breast and ovarian cancer; BRCA1- and BRCA2-Associated Hereditary Breast and Ovarian Cancer. Identifiers: Orphanet 145, MedGen C0677776, MeSH D061325, MONDO:0003582. Disease mechanism: loss of function.

Allele frequency attached by ClinVar (database versions not stated): gnomAD 0.00001 and 0.00002; gnomAD exomes 0.00001; TOPMed 0.00003.
gnomAD v4.1: 8 of 1,612,586 alleles (0.0005%); highest among the groups gnomAD compares: Non-Finnish European, 0.00068%; no homozygotes.

Submissions (8):

Labcorp Genetics (formerly Invitae), Labcorp
Classification: Uncertain significance for Hereditary breast ovarian cancer syndrome. Last evaluated: 2025-12-18. Review status: criteria provided, single submitter. Criteria: Invitae Variant Classification Sherloc (09022015). Collection method: clinical testing. Allele origin: germline.
Comment: This sequence change replaces serine, which is neutral and polar, with phenylalanine, which is neutral and non-polar, at codon 581 of the BRCA2 protein (p.Ser581Phe). This variant is present in population databases (rs587778118, gnomAD 0.002%). This variant has not been reported in the literature in individuals affected with BRCA2-related conditions. ClinVar contains an entry for this variant (Variation ID: 133726). Invitae Evidence Modeling of protein sequence and biophysical properties (such as structural, functional, and spatial information, amino acid conservation, physicochemical variation, residue mobility, and thermodynamic stability) indicates that this missense variant is not expected to disrupt BRCA2 protein function with a negative predictive value of 95%. In summary, the available evidence is currently insufficient to determine the role of this variant in disease. Therefore, it has been classified as a Variant of Uncertain Significance.

Women's Health and Genetics/Laboratory Corporation of America, LabCorp
Classification: Uncertain significance. Last evaluated: 2025-07-16. Review status: criteria provided, single submitter. Criteria: LabCorp Variant Classification Summary - May 2015. Collection method: clinical testing. Allele origin: germline.
Comment: Variant summary: BRCA2 c.1742C>T (p.Ser581Phe) results in a non-conservative amino acid change in the encoded protein sequence. Algorithms developed to predict the effect of missense changes on protein structure and function are either unavailable or do not agree on the potential impact of this missense change. The variant allele was found at a frequency of 1.2e-05 in 251022 control chromosomes. The available data on variant occurrences in the general population are insufficient to allow any conclusion about variant significance. To our knowledge, no occurrence of c.1742C>T in individuals affected with Hereditary Breast and Ovarian Cancer and no experimental evidence demonstrating an impact on protein function has been reported. The following publication have been ascertained in the context of this evaluation (PMID: 24728327). ClinVar contains an entry for this variant (Variation ID: 133726). Based on the evidence outlined above, the variant was classified as uncertain significance.

Quest Diagnostics Nichols Institute San Juan Capistrano
Classification: Uncertain significance. Last evaluated: 2025-06-20. Review status: criteria provided, single submitter. Criteria: Quest Diagnostics criteria. Collection method: clinical testing. Allele origin: unknown.
Comment: The BRCA2 c.1742C>T (p.Ser581Phe) variant has been reported in the published literature in individuals undergoing multigene panel testing (PMID: 31853058 (2020)) and in reportedly unaffected individuals (PMID: 24728327 (2014)). Additionally, this variant has been reported to be located in a region of the BRCA2 gene that is tolerant to missense sequence changes (PMID: 31911673 (2020)). The frequency of this variant in the general population (Genome Aggregation Database) is uninformative in the assessment of its pathogenicity. Analysis of this variant using bioinformatics tools for the prediction of the effect of amino acid changes on protein structure and function yielded conflicting predictions that this variant is benign or damaging. Based on the available information, we are unable to determine the clinical significance of this variant.

All of Us Research Program, National Institutes of Health
Classification: Uncertain significance for BRCA2-related cancer predisposition. Last evaluated: 2024-03-05. Review status: criteria provided, single submitter. Criteria: ACMG Guidelines, 2015. Collection method: clinical testing. Allele origin: germline. Inheritance: Autosomal dominant inheritance. Observed: 4 variant alleles, 4 heterozygotes.
Comment: This missense variant replaces serine with phenylalanine at codon 581 of the BRCA2 protein. Computational prediction suggests that this variant may not impact protein structure and function (internally defined REVEL score threshold <= 0.5, PMID: 27666373). To our knowledge, functional studies have not been reported for this variant. This variant has not been reported in individuals affected with BRCA2-related disorders in the literature. This variant has been identified in 2/250360 chromosomes in the general population by the Genome Aggregation Database (gnomAD). The available evidence is insufficient to determine the role of this variant in disease conclusively. Therefore, this variant is classified as a Variant of Uncertain Significance.

This study involves interpretation of variants in research participants for the purpose of population health screening. Participant phenotype was not available at the time of variant classification. Additional details can be found in publication PMID: 35346344, PMCID: PMC8962531

Fulgent Genetics
Classification: Uncertain significance for Familial cancer of breast; Medulloblastoma; Familial prostate cancer; Wilms tumor 1; Fanconi anemia complementation group D1; Breast-ovarian cancer, familial, susceptibility to, 2; Glioma susceptibility 3; Pancreatic cancer, susceptibility to, 2. Last evaluated: 2024-03-05. Review status: criteria provided, single submitter. Criteria: ACMG Guidelines, 2015. Collection method: clinical testing. Allele origin: germline.

Ambry Genetics
Classification: Uncertain significance for Hereditary cancer-predisposing syndrome. Last evaluated: 2023-10-02. Review status: criteria provided, single submitter. Criteria: Ambry Variant Classification Scheme 2023. Collection method: clinical testing. Allele origin: germline.
Comment: The p.S581F variant (also known as c.1742C>T), located in coding exon 9 of the BRCA2 gene, results from a C to T substitution at nucleotide position 1742. The serine at codon 581 is replaced by phenylalanine, an amino acid with highly dissimilar properties. This variant was identified in a cohort of 681 ancestrally diverse, healthy subjects (Bodian DL et al. PLoS One, 2014 Apr;9:e94554). This amino acid position is well conserved in available vertebrate species. In addition, this alteration is predicted to be tolerated by in silico analysis. Since supporting evidence is limited at this time, the clinical significance of this alteration remains unclear.

University of Washington Department of Laboratory Medicine, University of Washington
Classification: Likely benign for Hereditary cancer-predisposing syndrome. Last evaluated: 2023-03-23. Review status: criteria provided, single submitter. Criteria: Dines et al. (Genet Med. 2020). Collection method: curation. Allele origin: germline.
Comment: Missense variant in a coldspot region where missense variants are very unlikely to be pathogenic (PMID:31911673).

BRCA2 exon 10 coldspot. Reclassification based on statistical prior probability.

ITMI
No classification provided. Condition: AllHighlyPenetrant. Last evaluated: 2013-09-19. Review status: no classification provided. Collection method: reference population. Allele origin: germline. Not counted in ClinVar's aggregate classification.
Comment: Please see associated publication for description of ethnicities

Literature cited by the submitters: PubMed 24728327 (cited by 4 submitters); PubMed 31911673 (cited by Quest Diagnostics Nichols Institute San Juan Capistrano); PubMed 31853058 (cited by Quest Diagnostics Nichols Institute San Juan Capistrano); PubMed 39402389 (cited by Quest Diagnostics Nichols Institute San Juan Capistrano).